The following is an entry in ClinVar:

ClinVar aggregate classification (germline): Pathogenic. Review status: criteria provided, multiple submitters, no conflicts (2 of 4 stars). 2 submissions from 2 submitters: Pathogenic (2). Last evaluated 2024-07-16.

Conditions:
Long QT syndrome (LQTS). Identifiers: MedGen C0023976, MeSH D008133, MONDO:0002442. Disease mechanism: loss of function. Inheritance: Various modes of inheritance.

Submissions (4):

Labcorp Genetics (formerly Invitae), Labcorp
Classification: Pathogenic for Long QT syndrome. Last evaluated: 2024-07-16. Review status: criteria provided, single submitter. Criteria: Invitae Variant Classification Sherloc (09022015). Collection method: clinical testing. Allele origin: germline.
Comment: This sequence change creates a premature translational stop signal (p.Tyr652*) in the KCNH2 gene. It is expected to result in an absent or disrupted protein product. Loss-of-function variants in KCNH2 are known to be pathogenic (PMID: 10973849, 19862833). This variant is not present in population databases (gnomAD no frequency). This variant has not been reported in the literature in individuals affected with KCNH2-related conditions. ClinVar contains an entry for this variant (Variation ID: 200402). For these reasons, this variant has been classified as Pathogenic.

GeneDx
Classification: Pathogenic. Last evaluated: 2017-12-14. Review status: criteria provided, single submitter. Criteria: GeneDx Variant Classification (06012015). Collection method: clinical testing. Allele origin: germline. Affected: yes.
Comment: p.Tyr652Stop (TAT>TAA): c.1956 T>A in exon 8 of the KCNH2 gene (NM_000238.2). The Tyr652Stop mutation in the KCNH2 gene has been reported in one family with LQTS (Sun Y et al., 2009). Tyr652Stop is predicted to cause loss of normal protein function either by protein truncation or nonsense-mediated mRNA decay. Other nonsense mutations in the KCNH2 gene have been reported in association with LQTS. In summary, Tyr652Stop in the KCNH2 gene is interpreted as a disease-causing mutation. The variant is found in LQT panel(s).

Dr. Peter K. Rogan Lab, Western University
No classification provided (evidence only). Condition: Ovarian serous cystadenocarcinoma. Review status: no classification provided. Collection method: in vitro. Allele origin: not applicable. Functional consequence: retained intron. Not counted in ClinVar's aggregate classification.

Dr. Peter K. Rogan Lab, Western University
No classification provided (evidence only). Condition: Ovarian serous cystadenocarcinoma. Review status: no classification provided. Collection method: in vitro. Allele origin: not applicable. Functional consequence: retained intron. Not counted in ClinVar's aggregate classification.

Literature cited by the submitters: PubMed 10973849 (cited by Labcorp Genetics (formerly Invitae), Labcorp); PubMed 19862833 (cited by Labcorp Genetics (formerly Invitae), Labcorp).

NM_000238.4(KCNH2):c.1956T>A (p.Tyr652Ter)

Gene: KCNH2 (potassium voltage-gated channel subfamily H member 2; minus strand). Cytogenetic location: 7q36.1.
Variant type: single nucleotide variant.
Coding change: c.1956T>A on transcript NM_000238.4 (MANE Select); coding-DNA position 1956, T replaced by A.
Protein change: p.Tyr652Ter; replaces tyrosine 652 with a stop codon.
Molecular consequence: nonsense.
Genome position (GRCh38, 1-based): chr7:150,951,110, A>T on the plus strand (T>A on the coding strand, the complement: KCNH2 is on the minus strand). VCF-style: chr7-150951110-A-T. GRCh37 (hg19) VCF-style: chr7-150648198-A-T.
Other names: p.Y652*:TAT>TAA; c.936T>A, p.Tyr312Ter (NM_001204798.2, NM_172057.3); c.1668T>A, p.Tyr556Ter (NM_001406753.1, NM_001406756.1); c.1779T>A, p.Tyr593Ter (NM_001406755.1); c.1656T>A, p.Tyr552Ter (NM_001406757.1); c.1956T>A, p.Tyr652Ter (NM_172056.3); short protein forms Y312*, Y652*, Y593*, Y552*, Y556*.
Identifiers: ClinVar variation 200402 (VCV000200402.8), dbSNP rs1137617, ClinGen allele CA006093.
Genomic context (GRCh38, chr7:150,951,110, plus strand): 5'-GCGGGCTGTGCCCGAGTACAGCCGCTGGATGATGGCCGACACGTTGCCGAAGATGCTAGC[A>T]TACATGAGGGCTGGGGGCGTGGGCACGTGGGGCCGTCAGCCTCTGCAGGGACCCCACCCA-3'